The following is an entry in ClinVar:

NM_134261.3(RORA):c.1382A>G (p.His461Arg)

Genes: RORA (RAR related orphan receptor A; minus strand), RORA-AS1 (RORA antisense RNA 1; plus strand). Cytogenetic location: 15q22.2.
Variant type: single nucleotide variant.
Coding change: c.1382A>G on transcript NM_134261.3 (MANE Select); coding-DNA position 1382, A replaced by G.
Protein change: p.His461Arg; replaces histidine 461 with arginine.
Molecular consequence: missense variant.
Genome position (GRCh38, 1-based): chr15:60,499,917, T>C on the plus strand (A>G on the coding strand, the complement: RORA is on the minus strand). VCF-style: chr15-60499917-T-C. GRCh37 (hg19) VCF-style: chr15-60792116-T-C.
Other names: c.1457A>G, p.His486Arg (NM_002943.4); c.1481A>G, p.His494Arg (NM_134260.3); c.1217A>G, p.His406Arg (NM_134262.3); short protein forms H406R, H461R, H486R, H494R.
Identifiers: ClinVar variation 2442497 (VCV002442497.1), dbSNP rs2541965420, ClinGen allele CA392667104.

ClinVar aggregate classification (germline): Uncertain significance (1 of 4 stars; one submission).

Allele frequency attached by ClinVar (database versions not stated): gnomAD exomes below 0.00001.
gnomAD v4.1: 1 of 1,610,372 alleles (0.000062%); highest among the groups gnomAD compares: Non-Finnish European, 0.000085%; no homozygotes.

Submission:

GeneDx
Classification: Uncertain significance. Last evaluated: 2022-08-30. Review status: criteria provided, single submitter. Criteria: GeneDx Variant Classification Process June 2021. Collection method: clinical testing. Allele origin: germline. Affected: yes.
Comment: Not observed at significant frequency in large population cohorts (gnomAD); In silico analysis supports that this missense variant has a deleterious effect on protein structure/function; Has not been previously published as pathogenic or benign to our knowledge